The following is an entry in ClinVar:

ClinVar aggregate classification (germline): Pathogenic (1 of 4 stars; one submission).

Conditions:
Neurodevelopmental disorder with or without autism or seizures (NEDAUS). Identifiers: MedGen C5543225, MONDO:0030994, OMIM 619239.

Submission:

Laboratoire Génétique Moléculaire, CHRU TOURS
Classification: Pathogenic for Neurodevelopmental disorder with or without autism or seizures. Last evaluated: 2024-05-28. Review status: criteria provided, single submitter. Criteria: ACMG Guidelines, 2015. Collection method: clinical testing. Allele origin: de novo. Affected: yes.
Comment: PVS1;PS2;PM2;PP4

NM_003590.5(CUL3):c.1439C>G (p.Ser480Ter)

Gene: CUL3 (cullin 3; minus strand). Cytogenetic location: 2q36.2.
Variant type: single nucleotide variant.
Coding change: c.1439C>G on transcript NM_003590.5 (MANE Select); coding-DNA position 1439, C replaced by G.
Protein change: p.Ser480Ter; replaces serine 480 with a stop codon.
Molecular consequence: nonsense.
Genome position (GRCh38, 1-based): chr2:224,503,011, G>C on the plus strand (C>G on the coding strand, the complement: CUL3 is on the minus strand). VCF-style: chr2-224503011-G-C. GRCh37 (hg19) VCF-style: chr2-225367728-G-C.
Other names: c.1241C>G, p.Ser414Ter (NM_001257197.2); c.1457C>G, p.Ser486Ter (NM_001257198.2); short protein forms S480*, S486*, S414*.
Identifiers: ClinVar variation 4294377 (VCV004294377.1).
Genomic context (GRCh38, chr2:224,503,011, plus strand): 5'-ACGCAGAATCTTACACCAGTTGCCTGTAGATGTTGCCTGAATTCATCCATCGTTGTGTTT[G>C]AGATGCTCATATCCCTAAACATTCCTTCCAGTTTTGACGTGAACTGACATCCACATTCAG-3'